The following is an entry in ClinVar:

ClinVar aggregate classification (germline): Likely benign (1 of 4 stars; one submission).

Allele frequency attached by ClinVar (database versions not stated): ExAC 0.00025.

Submission:

CeGaT Center for Human Genetics Tuebingen
Classification: Likely benign. Last evaluated: 2022-08-01. Review status: criteria provided, single submitter. Criteria: CeGaT Center For Human Genetics Tuebingen Variant Classification Criteria Version 2. Collection method: clinical testing. Allele origin: germline. Affected: yes. Observed: 1 variant allele.
Comment: MUC4: BP4, BP7

NM_018406.7(MUC4):c.8328A>G (p.Ser2776=)

Gene: MUC4 (mucin 4, cell surface associated). Cytogenetic location: 3q29.
Variant type: single nucleotide variant.
Coding change: c.8328A>G on transcript NM_018406.7 (MANE Select); coding-DNA position 8328, A replaced by G.
Protein change: p.Ser2776=; no amino-acid change (serine 2776 retained).
Molecular consequence: synonymous variant. On other transcripts: no sequence alteration (1), genic upstream transcript variant (2).
Genome position (GRCh38, 1-based): chr3:195,783,252, T>C on the plus strand (A>G on the coding strand, the complement: MUC4 is on the minus strand). VCF-style: chr3-195783252-T-C. GRCh37 (hg19) VCF-style: chr3-195510123-T-C.
Other names: c.12135=, p.Ser4045= (NM_001322468.1); c.83-8947A>G (NM_138297.5); c.83-4797A>G (NM_004532.6).
Identifiers: ClinVar variation 2654446 (VCV002654446.24), dbSNP rs775059319, ClinGen allele CA2771636.